The following is an entry in ClinVar:

NM_152564.5(VPS13B):c.11392+1G>T

Gene: VPS13B (vacuolar protein sorting 13 homolog B; plus strand). Cytogenetic location: 8q22.2.
Variant type: single nucleotide variant.
Coding change: c.11392+1G>T on transcript NM_152564.5 (MANE Select); the canonical splice donor site of the intron after coding-DNA position 11392, G replaced by T.
Molecular consequence: splice donor variant.
Genome position (GRCh38, 1-based): chr8:99,868,466, G>T. VCF-style: chr8-99868466-G-T. GRCh37 (hg19) VCF-style: chr8-100880694-G-T.
Other names: c.11467+1G>T (NM_017890.5); c.11392+1G>T (NM_152564.4).
Identifiers: ClinVar variation 551200 (VCV000551200.13), dbSNP rs1554587021, ClinGen allele CA371792558.

ClinVar aggregate classification (germline): Likely pathogenic. Review status: criteria provided, multiple submitters, no conflicts (2 of 4 stars). 4 submissions from 4 submitters: Likely pathogenic (3). 1 of the submissions does not count toward it. Last evaluated 2025-07-01.

Conditions:
VPS13B-related disorder. Also called: VPS13B-related condition.
Cohen syndrome (COH1). Also called: Cutis verticis gyrata, retinitis pigmentosa, and sensorineural deafness; PEPPER SYNDROME. Identifiers: Orphanet 193, MedGen C0265223, MONDO:0008999, OMIM 216550.

Allele frequency attached by ClinVar (database versions not stated): gnomAD exomes below 0.00001.
gnomAD v4.1: 1 of 1,608,474 alleles (0.000062%); highest among the groups gnomAD compares: Non-Finnish European, 0.000085%; no homozygotes.

Submissions (4):

PreventionGenetics, part of Exact Sciences
Classification: Likely pathogenic for VPS13B-related condition. Last evaluated: 2025-07-01. Review status: criteria provided, single submitter. Criteria: ACMG Guidelines, 2015. Collection method: clinical testing. Allele origin: germline.
Comment: The VPS13B c.11392+1G>T variant is predicted to disrupt the GT donor site and interfere with normal splicing. To our knowledge, this variant has not been reported in the literature, or in a large population database (gnomAD), indicating this variant is rare. Variants that disrupt the consensus splice donor site in VPS13B are expected to be pathogenic. This variant is interpreted as likely pathogenic.

Fulgent Genetics
Classification: Likely pathogenic for Cohen syndrome. Last evaluated: 2024-06-20. Review status: criteria provided, single submitter. Criteria: ACMG Guidelines, 2015. Collection method: clinical testing. Allele origin: germline.

Labcorp Genetics (formerly Invitae), Labcorp
Classification: Likely pathogenic for Cohen syndrome. Last evaluated: 2023-10-09. Review status: criteria provided, single submitter. Criteria: Invitae Variant Classification Sherloc (09022015). Collection method: clinical testing. Allele origin: germline.
Comment: This sequence change affects a donor splice site in intron 59 of the VPS13B gene. It is expected to disrupt RNA splicing. Variants that disrupt the donor or acceptor splice site typically lead to a loss of protein function (PMID: 16199547), and loss-of-function variants in VPS13B are known to be pathogenic (PMID: 15141358, 16648375, 20461111). This variant is not present in population databases (gnomAD no frequency). This variant has not been reported in the literature in individuals affected with VPS13B-related conditions. ClinVar contains an entry for this variant (Variation ID: 551200). Algorithms developed to predict the effect of sequence changes on RNA splicing suggest that this variant may disrupt the consensus splice site. In summary, the currently available evidence indicates that the variant is pathogenic, but additional data are needed to prove that conclusively. Therefore, this variant has been classified as Likely Pathogenic.

Counsyl
Classification: Likely pathogenic for Cohen syndrome. Last evaluated: 2017-03-21. Review status: no assertion criteria provided. Collection method: clinical testing. Allele origin: unknown. Not counted in ClinVar's aggregate classification.

Literature cited by the submitters: PubMed 16199547 (cited by Labcorp Genetics (formerly Invitae), Labcorp); PubMed 15141358 (cited by Labcorp Genetics (formerly Invitae), Labcorp); PubMed 16648375 (cited by Labcorp Genetics (formerly Invitae), Labcorp); PubMed 20461111 (cited by Labcorp Genetics (formerly Invitae), Labcorp).